The following is an entry in ClinVar:

ClinVar aggregate classification (germline): Uncertain significance. Review status: criteria provided, multiple submitters, no conflicts (2 of 4 stars). 4 submissions from 4 submitters: Uncertain significance (4). Last evaluated 2025-09-06.

Conditions:
ACAD9-related disorder. Also called: ACAD9-related condition.

Allele frequency attached by ClinVar (database versions not stated): TOPMed 0.00009; gnomAD 0.00022; 1000 Genomes Project 30x 0.00031; 1000 Genomes Project 0.00040.
gnomAD v4.1: 112 of 1,614,138 alleles (0.0069%); highest among the groups gnomAD compares: Admixed American, 0.082%; no homozygotes.

Submissions (4):

GeneDx
Classification: Uncertain significance. Last evaluated: 2025-09-06. Review status: criteria provided, single submitter. Criteria: GeneDx Variant Classification Process June 2021. Collection method: clinical testing. Allele origin: germline. Affected: yes.
Comment: In silico analysis suggests that this missense variant does not alter protein structure/function; Has not been previously published as pathogenic or benign to our knowledge

PreventionGenetics, part of Exact Sciences
Classification: Uncertain significance for ACAD9-related condition. Last evaluated: 2025-05-22. Review status: criteria provided, single submitter. Criteria: ACMG Guidelines, 2015. Collection method: clinical testing. Allele origin: germline.
Comment: The ACAD9 c.1414C>T variant is predicted to result in the amino acid substitution p.Arg472Trp. To our knowledge, this variant has not been reported in the literature. This variant is reported in 0.023% of alleles in individuals of Latino descent in gnomAD. At this time, the clinical significance of this variant is uncertain due to the absence of conclusive functional and genetic evidence.

Labcorp Genetics (formerly Invitae), Labcorp
Classification: Uncertain significance. Last evaluated: 2022-10-04. Review status: criteria provided, single submitter. Criteria: Invitae Variant Classification Sherloc (09022015). Collection method: clinical testing. Allele origin: germline.
Comment: This sequence change replaces arginine, which is basic and polar, with tryptophan, which is neutral and slightly polar, at codon 472 of the ACAD9 protein (p.Arg472Trp). This variant is present in population databases (rs538712343, gnomAD 0.02%). This variant has not been reported in the literature in individuals affected with ACAD9-related conditions. ClinVar contains an entry for this variant (Variation ID: 214008). Advanced modeling of protein sequence and biophysical properties (such as structural, functional, and spatial information, amino acid conservation, physicochemical variation, residue mobility, and thermodynamic stability) performed at Invitae indicates that this missense variant is not expected to disrupt ACAD9 protein function. In summary, the available evidence is currently insufficient to determine the role of this variant in disease. Therefore, it has been classified as a Variant of Uncertain Significance.

Mayo Clinic Laboratories, Mayo Clinic
Classification: Uncertain significance. Last evaluated: 2021-11-17. Review status: criteria provided, single submitter. Criteria: ACMG Guidelines, 2015. Collection method: clinical testing. Allele origin: germline.

NM_014049.5(ACAD9):c.1414C>T (p.Arg472Trp)

Gene: ACAD9 (acyl-CoA dehydrogenase family member 9; plus strand). Cytogenetic location: 3q21.3.
Variant type: single nucleotide variant.
Coding change: c.1414C>T on transcript NM_014049.5 (MANE Select); coding-DNA position 1414, C replaced by T.
Protein change: p.Arg472Trp; replaces arginine 472 with tryptophan.
Molecular consequence: missense variant. On other transcripts: non-coding transcript variant (1).
Genome position (GRCh38, 1-based): chr3:128,909,028, C>T. VCF-style: chr3-128909028-C-T. GRCh37 (hg19) VCF-style: chr3-128627871-C-T.
Other names: p.R472W:CGG>TGG; p.Arg472Trp; short protein forms R472W.
Identifiers: ClinVar variation 214008 (VCV000214008.11), dbSNP rs538712343, ClinGen allele CA320818.
Genomic context (GRCh38, chr3:128,909,028, plus strand): 5'-TGCAGTGAGCTTAAACAGGCCAAAGTGAGCACAGTCATGGATACCGTTGGCCGGAGGCTT[C>T]GGGACTCCCTGGGCCGAACTGTGGACCTGGGGCTGACAGGCAACCATGGAGTTGTGCACC-3'
Protein context (NP_054768.2, residues 462-482): TVMDTVGRRL[Arg472Trp]DSLGRTVDLG